The following is an entry in ClinVar:

NC_000023.11:g.(?_31932070)_(31932237_?)del

Gene: DMD (dystrophin; minus strand). Cytogenetic location: Xp21.1.
Variant type: Deletion.
Identifiers: ClinVar variation 833487 (VCV000833487.8).

ClinVar aggregate classification (germline): Pathogenic (1 of 4 stars; one submission).

Conditions:
Duchenne muscular dystrophy (DMD). Also called: Duchenne Muscular Dystrophy (DMD); MUSCULAR DYSTROPHY, PSEUDOHYPERTROPHIC PROGRESSIVE, DUCHENNE TYPE. Identifiers: Orphanet 98896, MedGen C0013264, MONDO:0010679, OMIM 310200.

Submission:

Labcorp Genetics (formerly Invitae), Labcorp
Classification: Pathogenic for Duchenne muscular dystrophy. Last evaluated: 2019-06-25. Review status: criteria provided, single submitter. Criteria: Invitae Variant Classification Sherloc (09022015). Collection method: clinical testing. Allele origin: germline.
Comment: For these reasons, this variant has been classified as Pathogenic. Loss-of-function variants in DMD are known to be pathogenic (PMID: 16770791, 25007885). A similar deletion of exon 46 has been reported in an individual affected with Duchenne muscular dystrophy (DMD) (PMID: 15723292). This variant is an out-of-frame deletion of the genomic region encompassing exon 46 of the DMD gene. This is expected to create a premature translational stop signal and result in an absent or disrupted protein product.

Literature cited by the submitters: PubMed 16770791; PubMed 25007885; PubMed 15723292.